The following is an entry in ClinVar:

ClinVar aggregate classification (germline): Uncertain significance (1 of 4 stars; one submission).

Conditions:
ZFPM2-related disorder. Also called: ZFPM2-related condition.

gnomAD v4.1: 2 of 1,613,748 alleles (0.00012%); highest among the groups gnomAD compares: African/African-American, 0.0013%; no homozygotes.

Submission:

PreventionGenetics, part of Exact Sciences
Classification: Uncertain significance for ZFPM2-related condition. Last evaluated: 2025-09-20. Review status: criteria provided, single submitter. Criteria: ACMG Guidelines, 2015. Collection method: clinical testing. Allele origin: germline.
Comment: The ZFPM2 c.1904T>C variant is predicted to result in the amino acid substitution p.Ile635Thr. To our knowledge, this variant has not been reported in the literature. This variant is reported in 0.0083% of alleles in individuals of African descent in gnomAD. At this time, the clinical significance of this variant is uncertain due to the absence of conclusive functional and genetic evidence.

NM_012082.4(ZFPM2):c.1904T>C (p.Ile635Thr)

Genes: ZFPM2 (zinc finger protein, FOG family member 2; plus strand), ZFPM2-AS1 (ZFPM2 antisense RNA 1; minus strand). Cytogenetic location: 8q23.1.
Variant type: single nucleotide variant.
Coding change: c.1904T>C on transcript NM_012082.4 (MANE Select); coding-DNA position 1904, T replaced by C.
Protein change: p.Ile635Thr; replaces isoleucine 635 with threonine.
Molecular consequence: missense variant.
Genome position (GRCh38, 1-based): chr8:105,801,986, T>C. VCF-style: chr8-105801986-T-C. GRCh37 (hg19) VCF-style: chr8-106814214-T-C.
Other names: c.1745T>C, p.Ile582Thr (NM_001362836.2); c.1508T>C, p.Ile503Thr (NM_001362837.2); short protein forms I503T, I582T, I635T.
Identifiers: ClinVar variation 4997505 (VCV004997505.1).
Genomic context (GRCh38, chr8:105,801,986, plus strand): 5'-ATCCTGAGAATCCACTTCTTCAAACATCTTGCATCAATTCTTCCACTGTCTTAGATTTAA[T>C]TGGGCCAAATGGGAAGGGCCATGACAAGGACTTTTCCACTCAAACTAAGAAGCTCTCCAC-3'
Protein context (NP_036214.2, residues 625-645): CINSSTVLDL[Ile635Thr]GPNGKGHDKD